The following is an entry in ClinVar:

ClinVar aggregate classification (germline): Pathogenic. Review status: criteria provided, multiple submitters, no conflicts (2 of 4 stars). 9 submissions from 9 submitters: Pathogenic (8). 1 of the submissions does not count toward it. Last evaluated 2026-06-02.

Conditions:
ERCC6-related disorder. Also called: ERCC6-related condition; ERCC6-related disorders. Identifiers: MedGen CN239385.
Cerebrooculofacioskeletal syndrome 1 (COFS1). Also called: Cerebro-oculo-facio-skeletal syndrome 1. Identifiers: MedGen C0220722, MONDO:0008955, OMIM 214150.
DE SANCTIS-CACCHIONE SYNDROME. Identifiers: MedGen C0265201, MONDO:0010217, OMIM 278800.
Cockayne syndrome type 2 (CSB). Also called: Cockayne Syndrome, Type II; COCKAYNE SYNDROME B. Identifiers: Orphanet 191, Orphanet 90322, MedGen C0751038, MONDO:0019570, OMIM 133540.
Lung cancer. Also called: Lung cancer, somatic; Malignant tumor of lung. Identifiers: MedGen C0242379, MONDO:0008903, OMIM 211980.
Age related macular degeneration 5. Identifiers: MedGen C3151063, MONDO:0013409, OMIM 613761.
Premature ovarian failure 11 (POF11). Identifiers: MedGen C4310783, MONDO:0014843, OMIM 616946.
UV-sensitive syndrome 1 (UVSS1). Identifiers: Orphanet 178338, MedGen C3551173, MONDO:0010909, OMIM 600630.
Cockayne syndrome. Identifiers: Orphanet 191, MedGen C0009207, MONDO:0016006.

Allele frequency attached by ClinVar (database versions not stated): gnomAD 0.00001; gnomAD exomes 0.00001; TOPMed 0.00002; ESP Exome Variant Server 0.00008.

Submissions (9):

Greenwood Genetic Center Diagnostic Laboratories, Greenwood Genetic Center
Classification: Pathogenic for Cockayne syndrome type 2. Last evaluated: 2026-06-02. Review status: criteria provided, single submitter. Criteria: ACMG Guidelines, 2015. Collection method: clinical testing. Allele origin: germline. Affected: yes.
Comment: PVS1, PM2, PM3

GeneDx
Classification: Pathogenic. Last evaluated: 2025-03-20. Review status: criteria provided, single submitter. Criteria: GeneDx Variant Classification Process June 2021. Collection method: clinical testing. Allele origin: germline.
Comment: Observed with a second variant (phase unknown) in multiple individuals with Cockayne syndrome (PMID: 9443879, 21228398); Frameshift variant predicted to result in protein truncation or nonsense mediated decay in a gene for which loss of function is a known mechanism of disease; Not observed at significant frequency in large population cohorts (gnomAD); This variant is associated with the following publications: (PMID: 29572252, 19894250, 21228398, 34724781, 38808024, 9443879)

Labcorp Genetics (formerly Invitae), Labcorp
Classification: Pathogenic. Last evaluated: 2024-08-21. Review status: criteria provided, single submitter. Criteria: Invitae Variant Classification Sherloc (09022015). Collection method: clinical testing. Allele origin: germline.
Comment: This sequence change creates a premature translational stop signal (p.Tyr1179Leufs*22) in the ERCC6 gene. It is expected to result in an absent or disrupted protein product. Loss-of-function variants in ERCC6 are known to be pathogenic (PMID: 18628313, 29572252). This variant is not present in population databases (gnomAD no frequency). This premature translational stop signal has been observed in individual(s) with Cockayne syndrome (PMID: 9443879, 19894250, 21228398, 29572252). ClinVar contains an entry for this variant (Variation ID: 190167). For these reasons, this variant has been classified as Pathogenic.

Fulgent Genetics
Classification: Pathogenic for Cockayne syndrome type 2; Lung cancer; Cerebrooculofacioskeletal syndrome 1; DE SANCTIS-CACCHIONE SYNDROME; UV-sensitive syndrome 1; Age related macular degeneration 5; Premature ovarian failure 11. Last evaluated: 2024-05-07. Review status: criteria provided, single submitter. Criteria: ACMG Guidelines, 2015. Collection method: clinical testing. Allele origin: germline.

Women's Health and Genetics/Laboratory Corporation of America, LabCorp
Classification: Pathogenic for Cockayne syndrome. Last evaluated: 2023-01-27. Review status: criteria provided, single submitter. Criteria: LabCorp Variant Classification Summary - May 2015. Collection method: clinical testing. Allele origin: germline.
Comment: Variant summary: ERCC6 c.3536delA (p.Tyr1179LeufsX22) results in a premature termination codon, predicted to cause a truncation of the encoded protein or absence of the protein due to nonsense mediated decay, which are commonly known mechanisms for disease. Truncations downstream of this position have been classified as pathogenic by our laboratory. The variant was absent in 250950 control chromosomes (gnomAD). c.3536delA has been reported in the literature in individuals affected with Cockayne Syndrome (examples: Calmels_2018 and Mallery_1998). These data indicate that the variant is associated with disease. Three clinical diagnostic laboratories have submitted clinical-significance assessments for this variant to ClinVar after 2014 and all classified the variant as pathogenic/likely pathogenic. Based on the evidence outlined above, the variant was classified as pathogenic.

Blueprint Genetics
Classification: Pathogenic for ERCC6-related disorders. Last evaluated: 2022-09-02. Review status: criteria provided, single submitter. Criteria: ACMG Guidelines, 2015. Collection method: clinical testing. Allele origin: germline. Affected: yes. Observed: 1 variant allele.

Center for Pediatric Genomic Medicine, Children's Mercy Hospital and Clinics
Classification: Pathogenic. Last evaluated: 2015-05-14. Review status: criteria provided, single submitter. Criteria: ACMG Guidelines, 2015. Collection method: clinical testing. Allele origin: germline.

Claritas Genomics
Classification: Pathogenic for Cockayne syndrome, type B. Last evaluated: 2012-09-21. Review status: criteria provided, single submitter. Criteria: ACMG Guidelines, 2007. Collection method: clinical testing. Allele origin: germline. Inheritance: Autosomal recessive inheritance.

Counsyl
Classification: Likely pathogenic for Cockayne syndrome type 2; Cerebrooculofacioskeletal syndrome 1; DE SANCTIS-CACCHIONE SYNDROME. Last evaluated: 2017-04-03. Review status: no assertion criteria provided. Collection method: clinical testing. Allele origin: unknown. Not counted in ClinVar's aggregate classification.

Literature cited by the submitters: PubMed 18628313 (cited by Labcorp Genetics (formerly Invitae), Labcorp); PubMed 29572252 (cited by Labcorp Genetics (formerly Invitae), Labcorp and Women's Health and Genetics/Laboratory Corporation of America, LabCorp); PubMed 9443879 (cited by Labcorp Genetics (formerly Invitae), Labcorp and Women's Health and Genetics/Laboratory Corporation of America, LabCorp); PubMed 19894250 (cited by Labcorp Genetics (formerly Invitae), Labcorp and Counsyl); PubMed 21228398 (cited by Labcorp Genetics (formerly Invitae), Labcorp).

NM_000124.4(ERCC6):c.3536del (p.Tyr1179fs)

Gene: ERCC6 (ERCC excision repair 6, chromatin remodeling factor; minus strand). Cytogenetic location: 10q11.23.
Variant type: Deletion.
Coding change: c.3536del on transcript NM_000124.4 (MANE Select); coding-DNA position 3536, one base deleted (A; older notation c.3536delA).
Protein change: p.Tyr1179fs; shifts the reading frame from tyrosine 1179.
Molecular consequence: frameshift variant.
Genome position (GRCh38, 1-based): chr10:49,470,424, T deleted on the plus strand (A on the coding strand, the reverse complement: ERCC6 is on the minus strand). VCF-style (leftmost placement, unchanged base first): chr10-49470423-AT-A. GRCh37 (hg19) VCF-style: chr10-50678469-AT-A.
Other names: c.3536del (NM_000124.2, NM_000124.3); c.3536delA (NM_000124.2); c.3536del, p.Tyr1179fs (NM_001346440.2); short protein forms Y1179fs.
Identifiers: ClinVar variation 190167 (VCV000190167.19), dbSNP rs786205171, ClinGen allele CA274707.
Genomic context (GRCh38, chr10:49,470,423, plus strand): 5'-ATGTTTCTCCAGGGTCTCTTCTTCTGCCACACTATGATGTTTTGTTTTTGACTTGTGCTT[AT>A]AAAAATTATTTTCCATTTGTTTATTCTCCCAAAAAGCTTCTGTTTGAGCCTGGCTGGGTC-3'